The following is an entry in ClinVar:

ClinVar aggregate classification (germline): Pathogenic (1 of 4 stars; one submission).

Submission:

Labcorp Genetics (formerly Invitae), Labcorp
Classification: Pathogenic. Last evaluated: 2022-07-06. Review status: criteria provided, single submitter. Criteria: Invitae Variant Classification Sherloc (09022015). Collection method: clinical testing. Allele origin: germline.
Comment: This sequence change creates a premature translational stop signal (p.Arg683Profs*3) in the OPA1 gene. It is expected to result in an absent or disrupted protein product. Loss-of-function variants in OPA1 are known to be pathogenic (PMID: 11440988, 20157015, 20952381, 25012220). This variant is not present in population databases (gnomAD no frequency). This variant has not been reported in the literature in individuals affected with OPA1-related conditions. ClinVar contains an entry for this variant (Variation ID: 1460360). For these reasons, this variant has been classified as Pathogenic.

Literature cited by the submitters: PubMed 11440988; PubMed 20157015; PubMed 20952381; PubMed 25012220.

NM_130837.3(OPA1):c.2213del (p.Arg738fs)

Gene: OPA1 (OPA1 mitochondrial dynamin like GTPase; plus strand). Cytogenetic location: 3q29.
Variant type: Deletion.
Coding change: c.2213del on transcript NM_130837.3 (MANE Select); coding-DNA position 2213, one base deleted (G; older notation c.2213delG).
Protein change: p.Arg738fs; shifts the reading frame from arginine 738.
Molecular consequence: frameshift variant.
Genome position (GRCh38, 1-based): chr3:193,657,114, G deleted. VCF-style (leftmost placement, unchanged base first): chr3-193657113-CG-C. GRCh37 (hg19) VCF-style: chr3-193374902-CG-C.
Other names: c.1679del, p.Arg560fs (NM_001354663.2); c.1676del, p.Arg559fs (NM_001354664.2); c.2048del, p.Arg683fs (NM_015560.3); c.1940del, p.Arg647fs (NM_130831.3); c.1994del, p.Arg665fs (NM_130832.3); c.2051del, p.Arg684fs (NM_130833.3); c.2102del, p.Arg701fs (NM_130834.3); c.2105del, p.Arg702fs (NM_130835.3); and 1 more; short protein forms R702fs, R738fs, R559fs, R647fs, R701fs, R720fs, R560fs, R665fs.
Identifiers: ClinVar variation 1460360 (VCV001460360.6), dbSNP rs2109163266, ClinGen allele CA2573136886.